The following is an entry in ClinVar:

NM_004453.4(ETFDH):c.1001T>G (p.Leu334Arg)

Gene: ETFDH (electron transfer flavoprotein dehydrogenase; plus strand). Cytogenetic location: 4q32.1.
Variant type: single nucleotide variant.
Coding change: c.1001T>G on transcript NM_004453.4 (MANE Select); coding-DNA position 1001, T replaced by G.
Protein change: p.Leu334Arg; replaces leucine 334 with arginine.
Molecular consequence: missense variant.
Genome position (GRCh38, 1-based): chr4:158,699,015, T>G. VCF-style: chr4-158699015-T-G. GRCh37 (hg19) VCF-style: chr4-159620167-T-G.
Other names: c.860T>G, p.Leu287Arg (NM_001281737.2); c.818T>G, p.Leu273Arg (NM_001281738.1); c.1001T>G (NM_004453.2); short protein forms L273R, L287R, L334R.
Identifiers: ClinVar variation 1499645 (VCV001499645.7), dbSNP rs377686388, ClinGen allele CA358561972.

ClinVar aggregate classification (germline): Conflicting classifications of pathogenicity. Review status: criteria provided, conflicting classifications (1 of 4 stars). 2 submissions from 2 submitters: Likely pathogenic (1); Uncertain significance (1). Last evaluated 2024-08-12.

Conditions:
Multiple acyl-CoA dehydrogenase deficiency (MADD). Also called: Glutaric aciduria, type 2; Glutaric acidemia type II; GA 2; Glutaric Acidemia type 2; ETHYLMALONIC-ADIPICACIDURIA; GA II. Identifiers: Orphanet 26791, MedGen C0268596, MONDO:0009282, OMIM 231680.

gnomAD v4.1: 2 of 1,609,972 alleles (0.00012%); highest among the groups gnomAD compares: Non-Finnish European, 0.00017%; no homozygotes.

Submissions (2):

GeneDx
Classification: Uncertain significance. Last evaluated: 2024-08-12. Review status: criteria provided, single submitter. Criteria: GeneDx Variant Classification Process June 2021. Collection method: clinical testing. Allele origin: germline. Affected: yes.
Comment: Not observed at significant frequency in large population cohorts (gnomAD); In silico analysis supports that this missense variant has a deleterious effect on protein structure/function; Has not been previously published as pathogenic or benign to our knowledge

Labcorp Genetics (formerly Invitae), Labcorp
Classification: Likely pathogenic for Multiple acyl-CoA dehydrogenase deficiency. Last evaluated: 2023-03-28. Review status: criteria provided, single submitter. Criteria: Invitae Variant Classification Sherloc (09022015). Collection method: clinical testing. Allele origin: germline.
Comment: In summary, the currently available evidence indicates that the variant is pathogenic, but additional data are needed to prove that conclusively. Therefore, this variant has been classified as Likely Pathogenic. This variant disrupts the p.Leu334 amino acid residue in ETFDH. Other variant(s) that disrupt this residue have been determined to be pathogenic (PMID: 12359134, 17584774, 22611163). This suggests that this residue is clinically significant, and that variants that disrupt this residue are likely to be disease-causing. Advanced modeling of protein sequence and biophysical properties (such as structural, functional, and spatial information, amino acid conservation, physicochemical variation, residue mobility, and thermodynamic stability) performed at Invitae indicates that this missense variant is not expected to disrupt ETFDH protein function. ClinVar contains an entry for this variant (Variation ID: 1499645). This variant has not been reported in the literature in individuals affected with ETFDH-related conditions. This variant is not present in population databases (gnomAD no frequency). This sequence change replaces leucine, which is neutral and non-polar, with arginine, which is basic and polar, at codon 334 of the ETFDH protein (p.Leu334Arg).

Literature cited by the submitters: PubMed 12359134 (cited by Labcorp Genetics (formerly Invitae), Labcorp); PubMed 17584774 (cited by Labcorp Genetics (formerly Invitae), Labcorp); PubMed 22611163 (cited by Labcorp Genetics (formerly Invitae), Labcorp).